The following is an entry in ClinVar:

ClinVar aggregate classification (germline): Likely benign (1 of 4 stars; one submission).

Allele frequency attached by ClinVar (database versions not stated): ExAC 0.00002; gnomAD exomes 0.00002; gnomAD 0.00003; TOPMed 0.00003; ESP Exome Variant Server 0.00008.
gnomAD v4.1: 39 of 1,612,424 alleles (0.0024%); highest among the groups gnomAD compares: Non-Finnish European, 0.003%; no homozygotes.

Submission:

CeGaT Center for Human Genetics Tuebingen
Classification: Likely benign. Last evaluated: 2022-08-01. Review status: criteria provided, single submitter. Criteria: CeGaT Center For Human Genetics Tuebingen Variant Classification Criteria Version 2. Collection method: clinical testing. Allele origin: germline. Affected: yes. Observed: 1 variant allele.
Comment: KIF26A: BP4, BP7

NM_015656.2(KIF26A):c.363C>T (p.Ala121=)

Gene: KIF26A (kinesin family member 26A; plus strand). Cytogenetic location: 14q32.33.
Variant type: single nucleotide variant.
Coding change: c.363C>T on transcript NM_015656.2 (MANE Select); coding-DNA position 363, C replaced by T.
Protein change: p.Ala121=; no amino-acid change (alanine 121 retained).
Molecular consequence: synonymous variant.
Genome position (GRCh38, 1-based): chr14:104,152,089, C>T. VCF-style: chr14-104152089-C-T. GRCh37 (hg19) VCF-style: chr14-104618426-C-T.
Identifiers: ClinVar variation 2644597 (VCV002644597.24), dbSNP rs376956256, ClinGen allele CA7370045.